The following is an entry in ClinVar:

NM_014159.7(SETD2):c.796C>T (p.His266Tyr)

Gene: SETD2 (SET domain containing 2, histone lysine methyltransferase; minus strand). Cytogenetic location: 3p21.31.
Variant type: single nucleotide variant.
Coding change: c.796C>T on transcript NM_014159.7 (MANE Select); coding-DNA position 796, C replaced by T.
Protein change: p.His266Tyr; replaces histidine 266 with tyrosine.
Molecular consequence: missense variant. On other transcripts: non-coding transcript variant (1).
Genome position (GRCh38, 1-based): chr3:47,123,840, G>A on the plus strand (C>T on the coding strand, the complement: SETD2 is on the minus strand). VCF-style: chr3-47123840-G-A. GRCh37 (hg19) VCF-style: chr3-47165330-G-A.
Other names: c.664C>T, p.His222Tyr (NM_001349370.3); short protein forms H222Y, H266Y.
Identifiers: ClinVar variation 2047164 (VCV002047164.5), dbSNP rs1320353083, ClinGen allele CA352534419.

ClinVar aggregate classification (germline): Uncertain significance. Review status: criteria provided, multiple submitters, no conflicts (2 of 4 stars). 2 submissions from 2 submitters: Uncertain significance (2). Last evaluated 2023-06-20.

Conditions:
Luscan-Lumish syndrome. Identifiers: Orphanet 597738, MedGen C4085873, MONDO:0014791, OMIM 616831.
Intellectual developmental disorder, autosomal dominant 70. Identifiers: MedGen C5774271, MONDO:0859333, OMIM 620157.

gnomAD v4.1: 4 of 1,548,386 alleles (0.00026%); highest among the groups gnomAD compares: East Asian, 0.0024%; no homozygotes.

Submissions (2):

Baylor Genetics
Classification: Uncertain significance for Intellectual developmental disorder, autosomal dominant 70. Last evaluated: 2023-06-20. Review status: criteria provided, single submitter. Criteria: ACMG Guidelines, 2015. Collection method: clinical testing. Allele origin: unknown.

Labcorp Genetics (formerly Invitae), Labcorp
Classification: Uncertain significance for Luscan-Lumish syndrome. Last evaluated: 2022-09-23. Review status: criteria provided, single submitter. Criteria: Invitae Variant Classification Sherloc (09022015). Collection method: clinical testing. Allele origin: germline.
Comment: This sequence change replaces histidine, which is basic and polar, with tyrosine, which is neutral and polar, at codon 266 of the SETD2 protein (p.His266Tyr). This variant is not present in population databases (gnomAD no frequency). This missense change has been observed in individual(s) with SETD2-related conditions (Invitae). Advanced modeling of protein sequence and biophysical properties (such as structural, functional, and spatial information, amino acid conservation, physicochemical variation, residue mobility, and thermodynamic stability) performed at Invitae indicates that this missense variant is not expected to disrupt SETD2 protein function. In summary, the available evidence is currently insufficient to determine the role of this variant in disease. Therefore, it has been classified as a Variant of Uncertain Significance.